The following is an entry in ClinVar:

NM_000271.5(NPC1):c.144_145insT (p.Lys49Ter)

Gene: NPC1 (NPC intracellular cholesterol transporter 1; minus strand). Cytogenetic location: 18q11.2.
Variant type: Insertion.
Coding change: c.144_145insT on transcript NM_000271.5 (MANE Select); coding-DNA positions 144 to 145, T inserted.
Protein change: p.Lys49Ter; replaces lysine 49 with a stop codon.
Molecular consequence: nonsense.
Genome position: GRCh38 VCF-style: chr18-23573487-T-TA. GRCh37 (hg19) VCF-style: chr18-21153451-T-TA.
Other names: short protein forms K49*.
Identifiers: ClinVar variation 552698 (VCV000552698.7), dbSNP rs1555642296, ClinGen allele CA658823795.

ClinVar aggregate classification (germline): Pathogenic. Review status: criteria provided, single submitter (1 of 4 stars). 2 submissions from 2 submitters: Pathogenic (1). 1 of the submissions does not count toward it. Last evaluated 2021-11-02.

Conditions:
Niemann-Pick disease, type C1. Also called: NEUROVISCERAL STORAGE DISEASE WITH VERTICAL SUPRANUCLEAR OPHTHALMOPLEGIA; NIEMANN-PICK DISEASE WITH CHOLESTEROL ESTERIFICATION BLOCK; NIEMANN-PICK DISEASE WITHOUT SPHINGOMYELINASE DEFICIENCY; NIEMANN-PICK DISEASE, CHRONIC NEURONOPATHIC FORM; NIEMANN-PICK DISEASE, VARIANT TYPE C1. Identifiers: Orphanet 646, MedGen C3179455, MONDO:0009757, OMIM 257220.

Submissions (2):

Labcorp Genetics (formerly Invitae), Labcorp
Classification: Pathogenic for Niemann-Pick disease, type C1. Last evaluated: 2021-11-02. Review status: criteria provided, single submitter. Criteria: Invitae Variant Classification Sherloc (09022015). Collection method: clinical testing. Allele origin: germline.
Comment: For these reasons, this variant has been classified as Pathogenic. ClinVar contains an entry for this variant (Variation ID: 552698). This variant has not been reported in the literature in individuals affected with NPC1-related conditions. This variant is not present in population databases (gnomAD no frequency). This sequence change creates a premature translational stop signal (p.Lys49*) in the NPC1 gene. It is expected to result in an absent or disrupted protein product. Loss-of-function variants in NPC1 are known to be pathogenic (PMID: 9211850).

Counsyl
Classification: Likely pathogenic for Niemann-Pick disease, type C1. Last evaluated: 2017-06-30. Review status: no assertion criteria provided. Collection method: clinical testing. Allele origin: unknown. Not counted in ClinVar's aggregate classification.

Literature cited by the submitters: PubMed 9211850 (cited by Labcorp Genetics (formerly Invitae), Labcorp).